The following is an entry in ClinVar:

ClinVar aggregate classification (germline): Uncertain significance (1 of 4 stars; one submission).

Conditions:
Familial thoracic aortic aneurysm and aortic dissection (TAAD). Also called: Thoracic aortic aneurysms and dissections. Identifiers: Orphanet 91387, MedGen C4707243, MONDO:0019625.

Submission:

Ambry Genetics
Classification: Uncertain significance for Familial thoracic aortic aneurysm and aortic dissection. Last evaluated: 2024-06-09. Review status: criteria provided, single submitter. Criteria: Ambry Variant Classification Scheme 2023. Collection method: clinical testing. Allele origin: germline.
Comment: The p.E1115K variant (also known as c.3343G>A), located in coding exon 25 of the MYH11 gene, results from a G to A substitution at nucleotide position 3343. The glutamic acid at codon 1115 is replaced by lysine, an amino acid with similar properties. This amino acid position is conserved. In addition, the in silico prediction for this alteration is inconclusive. Based on the available evidence, the clinical significance of this variant remains unclear.

NM_002474.3(MYH11):c.3343G>A (p.Glu1115Lys)

Gene: MYH11 (myosin heavy chain 11; minus strand). Cytogenetic location: 16p13.11.
Variant type: single nucleotide variant.
Coding change: c.3343G>A on transcript NM_002474.3 (MANE Select); coding-DNA position 3343, G replaced by A.
Protein change: p.Glu1115Lys; replaces glutamic acid 1115 with lysine.
Molecular consequence: missense variant.
Genome position (GRCh38, 1-based): chr16:15,735,529, C>T on the plus strand (G>A on the coding strand, the complement: MYH11 is on the minus strand). VCF-style: chr16-15735529-C-T. GRCh37 (hg19) VCF-style: chr16-15829386-C-T.
Other names: c.3364G>A, p.Glu1122Lys (NM_001040113.2, NM_001040114.2); c.3343G>A, p.Glu1115Lys (NM_022844.3); short protein forms E1122K, E1115K.
Identifiers: ClinVar variation 3297367 (VCV003297367.1).